The following is an entry in ClinVar:

NC_000010.10:g.(?_71103563)_(71103765_?)dup

Gene: HK1 (hexokinase 1; plus strand). Cytogenetic location: 10q22.1.
Variant type: Duplication.
Identifiers: ClinVar variation 2422554 (VCV002422554.4).

ClinVar aggregate classification (germline): Likely pathogenic (1 of 4 stars; one submission).

Submission:

Labcorp Genetics (formerly Invitae), Labcorp
Classification: Likely pathogenic. Last evaluated: 2022-01-26. Review status: criteria provided, single submitter. Criteria: Invitae Variant Classification Sherloc (09022015). Collection method: clinical testing. Allele origin: germline.
Comment: In summary, the currently available evidence indicates that the variant is pathogenic, but additional data are needed to prove that conclusively. Therefore, this variant has been classified as Likely Pathogenic. This variant has not been reported in the literature in individuals affected with HK1-related conditions. This variant results in a copy number gain of the genomic region encompassing exon(s) 2 of the HK1 gene. While the exact position of this variant cannot be determined from the data, sub-genic copy number gains are generally in tandem (PMID: 25640679). This variant is predicted to be out-of-frame, and may result in an absent or disrupted protein product. Loss-of-function variants in HK1 are known to be pathogenic (PMID: 11783948, 12211198, 31119733).

Literature cited by the submitters: PubMed 25640679; PubMed 11783948; PubMed 12211198; PubMed 31119733.